The following is an entry in ClinVar:

NM_001164277.2(SLC37A4):c.359C>G (p.Pro120Arg)

Gene: SLC37A4 (solute carrier family 37 member 4; minus strand). Cytogenetic location: 11q23.3.
Variant type: single nucleotide variant.
Coding change: c.359C>G on transcript NM_001164277.2 (MANE Select); coding-DNA position 359, C replaced by G.
Protein change: p.Pro120Arg; replaces proline 120 with arginine.
Molecular consequence: missense variant.
Genome position (GRCh38, 1-based): chr11:119,028,216, G>C on the plus strand (C>G on the coding strand, the complement: SLC37A4 is on the minus strand). VCF-style: chr11-119028216-G-C. GRCh37 (hg19) VCF-style: chr11-118898926-G-C.
Other names: c.359C>G, p.Pro120Arg (NM_001164278.2, NM_001164280.2, NM_001467.6); c.140C>G, p.Pro47Arg (NM_001164279.2); short protein forms P120R, P47R.
Identifiers: ClinVar variation 5003222 (VCV005003222.1).

ClinVar aggregate classification (germline): Uncertain significance (1 of 4 stars; one submission).

Conditions:
Glycogen storage disease, type I. Identifiers: Orphanet 364, MedGen C0017920, MONDO:0002413.

Submission:

Myriad Genetics, Inc.
Classification: Uncertain significance for Glycogen storage disease, type I. Last evaluated: 2026-08-10. Review status: criteria provided, single submitter. Criteria: Myriad Autosomal Dominant, Autosomal Recessive and X-Linked Classification Criteria (2023). Collection method: clinical testing. Allele origin: unknown.
Comment: NM_001164277.1(SLC37A4):c.359C>G(P120R) is a missense variant classified as a variant of uncertain significance in the context of glycogen storage disease type Ib. P120R has been observed in a case with relevant disease (PMID: 40009380). Relevant functional assessments of this variant are not available in the literature. P120R has not been observed in referenced population frequency databases. In summary, there is insufficient evidence to classify NM_001164277.1(SLC37A4):c.359C>G(P120R) as pathogenic or benign. Please note: this variant was assessed in the context of healthy population screening.

Literature cited by the submitters: PubMed 40009380.